The following is an entry in ClinVar:

NM_000051.4(ATM):c.1332C>G (p.Pro444=)

Gene: ATM (ATM serine/threonine kinase; plus strand). Cytogenetic location: 11q22.3.
Variant type: single nucleotide variant.
Coding change: c.1332C>G on transcript NM_000051.4 (MANE Select); coding-DNA position 1332, C replaced by G.
Protein change: p.Pro444=; no amino-acid change (proline 444 retained).
Molecular consequence: synonymous variant.
Genome position (GRCh38, 1-based): chr11:108,250,797, C>G. VCF-style: chr11-108250797-C-G. GRCh37 (hg19) VCF-style: chr11-108121524-C-G.
Other names: c.1332C>G, p.Pro444= (NM_001351834.2).
Identifiers: ClinVar variation 3254079 (VCV003254079.3), dbSNP rs763361384.

ClinVar aggregate classification (germline): Benign/Likely benign. Review status: criteria provided, multiple submitters, no conflicts (2 of 4 stars). 3 submissions from 3 submitters: Benign (1); Likely benign (2). Last evaluated 2025-08-24.

Conditions:
Hereditary cancer-predisposing syndrome. Also called: Hereditary neoplastic syndrome; Neoplastic Syndromes, Hereditary; Hereditary Cancer Syndrome; Tumor predisposition. Identifiers: Orphanet 140162, MedGen C0027672, MeSH D009386, MONDO:0015356.
Familial cancer of breast. Also called: BREAST CANCER, FAMILIAL; hereditary breast carcinoma; Hereditary breast cancer. Identifiers: Orphanet 227535, MedGen C0346153, MONDO:0016419, OMIM 114480. Disease mechanism: loss of function.
Ataxia-telangiectasia syndrome (AT). Also called: LOUIS-BAR SYNDROME; Cerebello-oculocutaneous telangiectasia; Immunodeficiency with ataxia telangiectasia; AT, COMPLEMENTATION GROUP C; Ataxia-telangiectasia, complementation group D; ATAXIA-TELANGIECTASIA, COMPLEMENTATION GROUP A. Identifiers: Orphanet 100, MedGen C0004135, MONDO:0008840, OMIM 208900.

Submissions (3):

Labcorp Genetics (formerly Invitae), Labcorp
Classification: Likely benign for Ataxia-telangiectasia syndrome. Last evaluated: 2025-08-24. Review status: criteria provided, single submitter. Criteria: Invitae Variant Classification Sherloc (09022015). Collection method: clinical testing. Allele origin: germline.

Ambry Genetics
Classification: Likely benign for Hereditary cancer-predisposing syndrome. Last evaluated: 2024-10-02. Review status: criteria provided, single submitter. Criteria: Ambry Variant Classification Scheme 2023. Collection method: clinical testing. Allele origin: germline.

Myriad Genetics, Inc.
Classification: Benign for Familial cancer of breast. Last evaluated: 2024-04-26. Review status: criteria provided, single submitter. Criteria: Myriad Autosomal Dominant, Autosomal Recessive and X-Linked Classification Criteria (2023). Collection method: clinical testing. Allele origin: unknown.
Comment: This variant is considered benign. This variant is a silent/synonymous amino acid change and it is not expected to impact splicing.